The following is an entry in ClinVar:

ClinVar aggregate classification (germline): Uncertain significance (1 of 4 stars; one submission).

Conditions:
Hereditary cancer-predisposing syndrome. Also called: Tumor predisposition; Neoplastic Syndromes, Hereditary; Hereditary Cancer Syndrome; Hereditary neoplastic syndrome. Identifiers: Orphanet 140162, MedGen C0027672, MeSH D009386, MONDO:0015356.

Submission:

Ambry Genetics
Classification: Uncertain significance for Hereditary cancer-predisposing syndrome. Last evaluated: 2024-12-19. Review status: criteria provided, single submitter. Criteria: Ambry Variant Classification Scheme 2023. Collection method: clinical testing. Allele origin: germline.
Comment: The c.3686+4dupA intronic variant, results from a duplication of two nucleotides at nucleotide position 3686 after intron 17 of the MET gene. This nucleotide position is highly conserved in available vertebrate species. In silico splice site analysis predicts that this alteration will weaken the native splice donor site. Based on the available evidence, the clinical significance of this variant remains unclear.

NM_000245.4(MET):c.3632+4dup

Gene: MET (MET proto-oncogene, receptor tyrosine kinase; plus strand). Cytogenetic location: 7q31.2.
Variant type: Duplication.
Coding change: c.3632+4dup on transcript NM_000245.4 (MANE Select); 4 bases into the intron after coding-DNA position 3632, one base duplicated (A; older notation c.3632+4dupA).
Molecular consequence: intron variant.
Genome position (GRCh38, 1-based): chr7:116,782,101, A duplicated; the last of 2 consecutive A bases (chr7:116,782,100-116,782,101); duplicating either gives the same sequence. VCF-style (leftmost placement, unchanged base first): chr7-116782099-T-TA. GRCh37 (hg19) VCF-style: chr7-116422153-T-TA.
Other names: c.3686+4dup (NM_001127500.3); c.2342+4dup (NM_001324402.2).
Identifiers: ClinVar variation 3872345 (VCV003872345.1).